The following is an entry in ClinVar:

NM_001733.7(C1R):c.1685A>T (p.Glu562Val)

Gene: C1R (complement C1r; minus strand). Cytogenetic location: 12p13.31.
Variant type: single nucleotide variant.
Coding change: c.1685A>T on transcript NM_001733.7 (MANE Select); coding-DNA position 1685, A replaced by T.
Protein change: p.Glu562Val; replaces glutamic acid 562 with valine.
Molecular consequence: missense variant.
Genome position (GRCh38, 1-based): chr12:7,080,965, T>A on the plus strand (A>T on the coding strand, the complement: C1R is on the minus strand). VCF-style: chr12-7080965-T-A. GRCh37 (hg19) VCF-style: chr12-7188269-T-A.
Other names: c.1727A>T, p.Glu576Val (NM_001354346.2); short protein forms E562V, E576V.
Identifiers: ClinVar variation 4975555 (VCV004975555.1).

ClinVar aggregate classification (germline): Uncertain significance (1 of 4 stars; one submission).

gnomAD v4.1: 14 of 1,613,326 alleles (0.00087%); highest among the groups gnomAD compares: African/African-American, 0.0013%; no homozygotes.

Submission:

GeneDx
Classification: Uncertain significance. Last evaluated: 2026-03-18. Review status: criteria provided, single submitter. Criteria: GeneDx Variant Classification Process June 2021. Collection method: clinical testing. Allele origin: germline.
Comment: Has not been previously published as pathogenic or benign to our knowledge; In silico analysis supports that this missense variant has a deleterious effect on protein structure/function; Not observed at significant frequency in large population cohorts (gnomAD)